The following is an entry in ClinVar:

NM_000548.5(TSC2):c.1459T>A (p.Ser487Thr)

Gene: TSC2 (TSC complex subunit 2; plus strand). Cytogenetic location: 16p13.3.
Variant type: single nucleotide variant.
Coding change: c.1459T>A on transcript NM_000548.5 (MANE Select); coding-DNA position 1459, T replaced by A.
Protein change: p.Ser487Thr; replaces serine 487 with threonine.
Molecular consequence: missense variant.
Genome position (GRCh38, 1-based): chr16:2,064,287, T>A. VCF-style: chr16-2064287-T-A. GRCh37 (hg19) VCF-style: chr16-2114288-T-A.
Other names: c.1459T>A, p.Ser487Thr (NM_001077183.3, NM_001114382.3, NM_001363528.2 and 6 more transcripts); c.1348T>A, p.Ser450Thr (NM_001318827.2, NM_001406670.1, NM_001406678.1); c.1312T>A, p.Ser438Thr (NM_001318829.2, NM_001406675.1, NM_001406676.1 and 1 more transcripts); c.859T>A, p.Ser287Thr (NM_001318831.2, NM_001406680.1, NM_001406682.1 and 6 more transcripts); c.1492T>A, p.Ser498Thr (NM_001318832.2); c.1549T>A, p.Ser517Thr (NM_001406667.1, NM_001406668.1); c.1447T>A, p.Ser483Thr (NM_001406671.1, NM_001406673.1); c.1402T>A, p.Ser468Thr (NM_001406677.1); and 3 more; short protein forms S468T, S483T, S287T, S39T, S487T, S498T, S517T, S333T.
Identifiers: ClinVar variation 1773110 (VCV001773110.2), dbSNP rs2548569776, ClinGen allele CA394325601.

ClinVar aggregate classification (germline): Uncertain significance (1 of 4 stars; one submission).

Conditions:
Hereditary cancer-predisposing syndrome. Also called: Hereditary Cancer Syndrome; Hereditary neoplastic syndrome; Neoplastic Syndromes, Hereditary; Tumor predisposition. Identifiers: Orphanet 140162, MedGen C0027672, MeSH D009386, MONDO:0015356.

Submission:

Ambry Genetics
Classification: Uncertain significance for Hereditary cancer-predisposing syndrome. Last evaluated: 2022-05-22. Review status: criteria provided, single submitter. Criteria: Ambry Variant Classification Scheme 2023. Collection method: clinical testing. Allele origin: germline.
Comment: The p.S487T variant (also known as c.1459T>A), located in coding exon 14 of the TSC2 gene, results from a T to A substitution at nucleotide position 1459. The serine at codon 487 is replaced by threonine, an amino acid with similar properties. This amino acid position is conserved. In addition, this alteration is predicted to be tolerated by in silico analysis. Since supporting evidence is limited at this time, the clinical significance of this alteration remains unclear.